The following is an entry in ClinVar:

NM_000455.5(STK11):c.795G>A (p.Glu265=)

Gene: STK11 (serine/threonine kinase 11; plus strand). Cytogenetic location: 19p13.3.
Variant type: single nucleotide variant.
Coding change: c.795G>A on transcript NM_000455.5 (MANE Select); coding-DNA position 795, G replaced by A.
Protein change: p.Glu265=; no amino-acid change (glutamic acid 265 retained).
Molecular consequence: synonymous variant.
Genome position (GRCh38, 1-based): chr19:1,221,273, G>A. VCF-style: chr19-1221273-G-A. GRCh37 (hg19) VCF-style: chr19-1221272-G-A.
Other names: p.E265E:GAG>GAA.
Identifiers: ClinVar variation 182885 (VCV000182885.71), dbSNP rs730881963, ClinGen allele CA023279.
Genomic context (GRCh38, chr19:1,221,273, plus strand): 5'-CTACAACATCACCACGGGTCTGTACCCCTTCGAAGGGGACAACATCTACAAGTTGTTTGA[G>A]AACATCGGGAAGGGGAGCTACGCCATCCCGGGCGACTGTGGCCCCCCGCTCTCTGACCTG-3'
Protein context (NP_000446.1, residues 255-275): FEGDNIYKLF[Glu265=]NIGKGSYAIP

ClinVar aggregate classification (germline): Benign/Likely benign. Review status: criteria provided, multiple submitters, no conflicts (2 of 4 stars). 20 submissions from 20 submitters: Benign (7); Likely benign (11). 2 of the submissions do not count toward it. Last evaluated 2026-03-01.

Conditions:
Familial ovarian cancer. Identifiers: MedGen C5679802, MONDO:0016248.
Breast and/or ovarian cancer. Identifiers: MedGen CN221562.
Hereditary cancer-predisposing syndrome. Also called: Tumor predisposition; Neoplastic Syndromes, Hereditary; Hereditary Cancer Syndrome; Hereditary neoplastic syndrome. Identifiers: Orphanet 140162, MedGen C0027672, MeSH D009386, MONDO:0015356.
Peutz-Jeghers syndrome (PJS). Also called: Peutz-Jeghers polyposis; Periorificial lentiginosis syndrome; POLYPOSIS, HAMARTOMATOUS INTESTINAL; POLYPS-AND-SPOTS SYNDROME. Identifiers: Orphanet 2869, MedGen C0031269, MeSH D010580, MONDO:0008280, OMIM 175200.

Allele frequency attached by ClinVar (database versions not stated): gnomAD 0.00004 and 0.00007; TOPMed 0.00008; ExAC 0.00019.
gnomAD v4.1: 124 of 1,611,936 alleles (0.0077%); highest among the groups gnomAD compares: Middle Eastern, 0.13%; 2 homozygotes.

Submissions (20):

CeGaT Center for Human Genetics Tuebingen
Classification: Likely benign. Last evaluated: 2026-03-01. Review status: criteria provided, single submitter. Criteria: CeGaT Center For Human Genetics Tuebingen Variant Classification Criteria Version 2. Collection method: clinical testing. Allele origin: germline. Affected: yes. Observed: 3 variant alleles.
Comment: STK11: BP4, BP7

Labcorp Genetics (formerly Invitae), Labcorp
Classification: Benign for Peutz-Jeghers syndrome. Last evaluated: 2026-01-31. Review status: criteria provided, single submitter. Criteria: Invitae Variant Classification Sherloc (09022015). Collection method: clinical testing. Allele origin: germline.

Molecular Diagnostics Laboratory, Catalan Institute of Oncology
Classification: Likely benign for Hereditary cancer-predisposing syndrome. Last evaluated: 2025-08-25. Review status: criteria provided, single submitter. Criteria: ACMG Guidelines, 2015. Collection method: clinical testing. Allele origin: germline.
Comment: BP4, BP7 c.795G>A, located in exon 6 of the STK11 gene, is predicted to result in no amino acid change, p.(Glu265=) (BP7). This variant is found in 49/264764 alleles at a frequency of 0.018% in the gnomAD v2.1.1 database, non-cancer dataset. The SpliceAI algorithm predicts no significant impact on splicing (BP4). To our knowledge, neither relevant clinical data nor well-established functional studies have been reported for this variant. It has been reported in ClinVar (8x benign, 9x likely benign). Based on the currently available evidence, c.795G>A is classified as a likely benign variant according to ACMG guidelines.

Institute for Biomarker Research, Medical Diagnostic Laboratories, L.L.C.
Classification: Likely benign for Hereditary cancer-predisposing syndrome. Last evaluated: 2025-03-14. Review status: criteria provided, single submitter. Criteria: ACMG Guidelines, 2015. Collection method: clinical testing. Allele origin: germline.
Comment: The synonymous variant NM_000455.5(STK11):c.795G>A (p.Glu265=) has been reported to ClinVar as Benign/Likely benign with a status of (2 stars) criteria provided, multiple submitters, no conflicts (Variation ID 182885 as of 2025-03-07). The p.Glu265= variant is not predicted to disrupt an existing splice site. For these reasons, this variant has been classified as Likely Benign.

Blueprint Genetics
Classification: Likely benign. Last evaluated: 2024-02-13. Review status: criteria provided, single submitter. Criteria: ACMG Guidelines, 2015. Collection method: clinical testing. Allele origin: germline.

All of Us Research Program, National Institutes of Health
Classification: Likely benign for Peutz-Jeghers syndrome. Last evaluated: 2024-01-11. Review status: criteria provided, single submitter. Criteria: ACMG Guidelines, 2015. Collection method: clinical testing. Allele origin: germline. Inheritance: Autosomal dominant inheritance. Observed: 18 variant alleles, 18 heterozygotes.
Comment: This study involves interpretation of variants in research participants for the purpose of population health screening. Participant phenotype was not available at the time of variant classification. Additional details can be found in publication PMID: 35346344, PMCID: PMC8962531

KCCC/NGS Laboratory, Kuwait Cancer Control Center
Classification: Benign for Peutz-Jeghers syndrome. Last evaluated: 2023-07-07. Review status: criteria provided, single submitter. Criteria: ACMG Guidelines, 2015. Collection method: clinical testing. Allele origin: germline. Affected: yes.

Quest Diagnostics Nichols Institute San Juan Capistrano
Classification: Benign. Last evaluated: 2023-04-18. Review status: criteria provided, single submitter. Criteria: Quest Diagnostics criteria. Collection method: clinical testing. Allele origin: unknown.

Myriad Genetics, Inc.
Classification: Benign for Peutz-Jeghers syndrome. Last evaluated: 2023-04-13. Review status: criteria provided, single submitter. Criteria: Myriad Autosomal Dominant, Autosomal Recessive and X-Linked Classification Criteria (2023). Collection method: clinical testing. Allele origin: unknown.
Comment: This variant is considered benign. This variant is a silent/synonymous amino acid change and it is not expected to impact splicing.

CHEO Genetics Diagnostic Laboratory, Children's Hospital of Eastern Ontario
Classification: Likely benign for Breast and/or ovarian cancer. Last evaluated: 2022-09-26. Review status: criteria provided, single submitter. Criteria: ACMG Guidelines, 2015. Collection method: clinical testing. Allele origin: germline.

Women's Health and Genetics/Laboratory Corporation of America, LabCorp
Classification: Benign. Last evaluated: 2022-01-01. Review status: criteria provided, single submitter. Criteria: LabCorp Variant Classification Summary - May 2015. Collection method: clinical testing. Allele origin: germline.

Sema4
Classification: Benign for Hereditary cancer-predisposing syndrome. Last evaluated: 2021-07-29. Review status: criteria provided, single submitter. Criteria: Sema4 Curation Guidelines. Collection method: curation. Allele origin: germline.

Genome-Nilou Lab
Classification: Likely benign for Peutz-Jeghers syndrome. Last evaluated: 2021-07-15. Review status: criteria provided, single submitter. Criteria: ACMG Guidelines, 2015. Collection method: clinical testing. Allele origin: germline. Affected: no.

Mendelics
Classification: Likely benign for Peutz-Jeghers syndrome. Last evaluated: 2019-05-28. Review status: criteria provided, single submitter. Criteria: Mendelics Assertion Criteria 2017. Collection method: clinical testing. Allele origin: unknown.

PreventionGenetics, part of Exact Sciences
Classification: Likely benign. Last evaluated: 2017-10-24. Review status: criteria provided, single submitter. Criteria: ACMG Guidelines, 2015. Collection method: clinical testing. Allele origin: germline.

Color Diagnostics, LLC DBA Color Health
Classification: Likely benign for Hereditary cancer-predisposing syndrome. Last evaluated: 2016-03-06. Review status: criteria provided, single submitter. Criteria: ACMG Guidelines, 2015. Collection method: clinical testing. Allele origin: germline.

Ambry Genetics
Classification: Likely benign for Hereditary cancer-predisposing syndrome. Last evaluated: 2014-07-17. Review status: criteria provided, single submitter. Criteria: Ambry Variant Classification Scheme 2023. Collection method: clinical testing. Allele origin: germline.

GeneDx
Classification: Benign. Last evaluated: 2014-07-11. Review status: criteria provided, single submitter. Criteria: GeneDx Variant Classification (06012015). Collection method: clinical testing. Allele origin: germline. Affected: yes.
Comment: This variant is considered likely benign or benign based on one or more of the following criteria: it is a conservative change, it occurs at a poorly conserved position in the protein, it is predicted to be benign by multiple in silico algorithms, and/or has population frequency not consistent with disease.

Counsyl
Classification: Likely benign for Peutz-Jeghers syndrome. Last evaluated: 2016-06-01. Review status: no assertion criteria provided. Collection method: clinical testing. Allele origin: unknown. Not counted in ClinVar's aggregate classification.

Department of Pathology and Laboratory Medicine, Sinai Health System
Classification: Benign for Familial ovarian cancer. Review status: no assertion criteria provided. Collection method: clinical testing. Allele origin: unknown. Affected: yes. Observed: 1 variant allele. Study: The Canadian Open Genetics Repository (COGR). Not counted in ClinVar's aggregate classification.
Comment: The STK11 p.Glu265= variant was not identified in the literature nor was it identified in the Cosmic, MutDB, LOVD 3.0, Zhejiang Colon Cancer Database, and Insight Hereditary Tumors Database. The variant was identified in dbSNP (ID: rs730881963) â€šÃ„ÃºWith Likely benign alleleâ€šÃ„Ã¹, ClinVar (classified as benign by GeneDx and likely benign by Ambry Genetics, Invitae and Counsyl), Clinvitae (3x), and in control databases in 50 (1 homozygous) of 275192 chromosomes at a frequency of 0.0002 increasing the likelihood this could be a low frequency benign variant (Genome Aggregation Consortium Feb 27, 2017). Breakdown of the observations by population include, other in 4 of 6416 chromosomes (freq. 0.0006), Latino in 18 (1 homozygous) of 34300 chromosomes (freq. 0.0005), European Non-Finnish in 5 of 125550 chromosomes (freq. 0.00004), and South Asian in 23 of 30524 chromosomes (freq. 0.0007); it was not seen in the African, Ashkenazi Jewish, European Finnish, and East Asian populations. The p.Glu265= variant is not expected to have clinical significance because it does not result in a change of amino acid and is not located in a known consensus splice site. The variant occurs outside of the splicing consensus sequence and 1 of 5 in silico or computational prediction software programs (SpliceSiteFinder, MaxEntScan, NNSPLICE, GeneSplicer, HumanSpliceFinder) predict a greater than 10% difference in splicing; this is not very predictive of pathogenicity. In summary, based on the above information this variant meets our laboratory's criteria to be classified as benign.